The following is an entry in ClinVar:

ClinVar aggregate classification (germline): Pathogenic (1 of 4 stars; one submission).

Submission:

Labcorp Genetics (formerly Invitae), Labcorp
Classification: Pathogenic. Last evaluated: 2023-09-11. Review status: criteria provided, single submitter. Criteria: Invitae Variant Classification Sherloc (09022015). Collection method: clinical testing. Allele origin: germline.
Comment: This sequence change replaces glycine, which is neutral and non-polar, with arginine, which is basic and polar, at codon 1067 of the COL4A1 protein (p.Gly1067Arg). For these reasons, this variant has been classified as Pathogenic. This variant disrupts the p.Gly1067 amino acid residue in COL4A1. Other variant(s) that disrupt this residue have been observed in individuals with COL4A1-related conditions (PMID: 25719457), which suggests that this may be a clinically significant amino acid residue. This variant disrupts the triple helix domain of COL4A1. Glycine residues within the Gly-Xaa-Yaa repeats of the triple helix domain are required for the structure and stability of fibrillar collagens (PMID: 7695699, 8218237, 19344236). In COL4A1 variants affecting these glycine residues are significantly enriched in individuals with disease (PMID: 9016532, 17078022) compared to the general population (ExAC). An algorithm developed to predict the effect of missense changes on protein structure and function (PolyPhen-2) suggests that this variant is likely to be disruptive. This missense change has been observed in individual(s) with clinical features of COL4A1-related conditions (Invitae). In at least one individual the variant was observed to be de novo. This variant is not present in population databases (gnomAD no frequency).

Literature cited by the submitters: PubMed 25719457; PubMed 7695699; PubMed 8218237; PubMed 19344236; PubMed 9016532; PubMed 17078022.

NM_001845.6(COL4A1):c.3199G>A (p.Gly1067Arg)

Gene: COL4A1 (collagen type IV alpha 1 chain; minus strand). Cytogenetic location: 13q34.
Variant type: single nucleotide variant.
Coding change: c.3199G>A on transcript NM_001845.6 (MANE Select); coding-DNA position 3199, G replaced by A.
Protein change: p.Gly1067Arg; replaces glycine 1067 with arginine.
Molecular consequence: missense variant.
Genome position (GRCh38, 1-based): chr13:110,174,749, C>T on the plus strand (G>A on the coding strand, the complement: COL4A1 is on the minus strand). VCF-style: chr13-110174749-C-T. GRCh37 (hg19) VCF-style: chr13-110827096-C-T.
Other names: short protein forms G1067R.
Identifiers: ClinVar variation 2825795 (VCV002825795.3), dbSNP rs2501771259, ClinGen allele CA388664831.
Genomic context (GRCh38, chr13:110,174,749, plus strand): 5'-TGCTTCCTTTTTCTCCCTTCTCTCCAGGGCTTCCTGGGAAACCCGCTATCCCTTGATCTC[C>T]CTGCAAGTAAAAGTCAGGCATATTAACTTTACATTTGTCCATGGGCATGCATCTGTAGGC-3'
Protein context (NP_001836.3, residues 1057-1077): IGIPGLRGEK[Gly1067Arg]DQGIAGFPGS